The following is an entry in ClinVar:

NM_000350.3(ABCA4):c.4391C>T (p.Pro1464Leu)

Gene: ABCA4 (ATP binding cassette subfamily A member 4; minus strand). Cytogenetic location: 1p22.1.
Variant type: single nucleotide variant.
Coding change: c.4391C>T on transcript NM_000350.3 (MANE Select); coding-DNA position 4391, C replaced by T.
Protein change: p.Pro1464Leu; replaces proline 1464 with leucine.
Molecular consequence: missense variant.
Genome position (GRCh38, 1-based): chr1:94,029,593, G>A on the plus strand (C>T on the coding strand, the complement: ABCA4 is on the minus strand). VCF-style: chr1-94029593-G-A. GRCh37 (hg19) VCF-style: chr1-94495149-G-A.
Other names: c.4169C>T, p.Pro1390Leu (NM_001425324.1); short protein forms P1464L, P1390L.
Identifiers: ClinVar variation 970392 (VCV000970392.7), dbSNP rs761652443, ClinGen allele CA957615.

ClinVar aggregate classification (germline): Uncertain significance. Review status: criteria provided, multiple submitters, no conflicts (2 of 4 stars). 3 submissions from 3 submitters: Uncertain significance (3). Last evaluated 2024-04-09.

Conditions:
Inborn genetic diseases. Identifiers: MedGen C0950123, MeSH D030342.

Allele frequency attached by ClinVar (database versions not stated): gnomAD below 0.00001 and 0.00002; TOPMed below 0.00001; gnomAD exomes 0.00001 and 0.00003; ExAC 0.00003.
gnomAD v4.1: 22 of 1,613,936 alleles (0.0014%); highest among the groups gnomAD compares: South Asian, 0.022%; no homozygotes.

Submissions (3):

Ambry Genetics
Classification: Uncertain significance for Inborn genetic diseases. Last evaluated: 2024-04-09. Review status: criteria provided, single submitter. Criteria: Ambry Variant Classification Scheme 2023. Collection method: clinical testing. Allele origin: germline.

Blueprint Genetics
Classification: Uncertain significance. Last evaluated: 2023-05-30. Review status: criteria provided, single submitter. Criteria: ACMG Guidelines, 2015. Collection method: clinical testing. Allele origin: germline.

Labcorp Genetics (formerly Invitae), Labcorp
Classification: Uncertain significance. Last evaluated: 2021-12-28. Review status: criteria provided, single submitter. Criteria: Invitae Variant Classification Sherloc (09022015). Collection method: clinical testing. Allele origin: germline.
Comment: This sequence change replaces proline, which is neutral and non-polar, with leucine, which is neutral and non-polar, at codon 1464 of the ABCA4 protein (p.Pro1464Leu). This variant is present in population databases (rs761652443, gnomAD 0.02%). This variant has not been reported in the literature in individuals affected with ABCA4-related conditions. ClinVar contains an entry for this variant (Variation ID: 970392). Algorithms developed to predict the effect of missense changes on protein structure and function (SIFT, PolyPhen-2, Align-GVGD) all suggest that this variant is likely to be disruptive. In summary, the available evidence is currently insufficient to determine the role of this variant in disease. Therefore, it has been classified as a Variant of Uncertain Significance.